The following is an entry in ClinVar:

ClinVar aggregate classification (germline): Uncertain significance. Review status: criteria provided, multiple submitters, no conflicts (2 of 4 stars). 2 submissions from 2 submitters: Uncertain significance (2). Last evaluated 2026-09-17.

Conditions:
MYO15A-related disorder. Also called: MYO15A-related condition.
Inborn genetic diseases. Identifiers: MedGen C0950123, MeSH D030342.

gnomAD v4.1: 193 of 1,547,178 alleles (0.012%); highest among the groups gnomAD compares: Non-Finnish European, 0.016%; no homozygotes.

Submissions (2):

PreventionGenetics, part of Exact Sciences
Classification: Uncertain significance for MYO15A-related condition. Last evaluated: 2026-09-17. Review status: criteria provided, single submitter. Criteria: ACMG Guidelines, 2015. Collection method: clinical testing. Allele origin: germline.
Comment: The MYO15A c.2642G>A variant is predicted to result in the amino acid substitution p.Arg881Gln. To our knowledge, this variant has not been reported in the literature. This variant is reported in 0.015% of alleles in individuals of European (Non-Finnish) descent in gnomAD. At this time, the clinical significance of this variant is uncertain due to the absence of conclusive functional and genetic evidence.

Ambry Genetics
Classification: Uncertain significance for Inborn genetic diseases. Last evaluated: 2025-08-31. Review status: criteria provided, single submitter. Criteria: Ambry Variant Classification Scheme 2023. Collection method: clinical testing. Allele origin: germline.

NM_016239.4(MYO15A):c.2642G>A (p.Arg881Gln)

Gene: MYO15A (myosin XVA; plus strand). Cytogenetic location: 17p11.2.
Variant type: single nucleotide variant.
Coding change: c.2642G>A on transcript NM_016239.4 (MANE Select); coding-DNA position 2642, G replaced by A.
Protein change: p.Arg881Gln; replaces arginine 881 with glutamine.
Molecular consequence: missense variant.
Genome position (GRCh38, 1-based): chr17:18,121,442, G>A. VCF-style: chr17-18121442-G-A. GRCh37 (hg19) VCF-style: chr17-18024756-G-A.
Other names: short protein forms R881Q.
Identifiers: ClinVar variation 4115162 (VCV004115162.2).